The following is an entry in ClinVar:

ClinVar aggregate classification (germline): Uncertain significance (1 of 4 stars; one submission).

Conditions:
Granulomatous disease, chronic, autosomal recessive, cytochrome b-positive, type 3. Also called: CGD, AUTOSOMAL RECESSIVE CYTOCHROME b-POSITIVE, TYPE III; GRANULOMATOUS DISEASE, CHRONIC, AUTOSOMAL RECESSIVE, 3; GRANULOMATOUS DISEASE, CHRONIC, DUE TO NCF4 DEFICIENCY; Granulomatous disease, chronic, autosomal recessive, cytochrome b-positive, type III. Identifiers: Orphanet 379, MedGen C3151409, MONDO:0013507, OMIM 613960.

Allele frequency attached by ClinVar (database versions not stated): gnomAD exomes below 0.00001.
gnomAD v4.1: 1 of 1,614,122 alleles (0.000062%); highest among the groups gnomAD compares: Non-Finnish European, 0.000085%; no homozygotes.

Submission:

Labcorp Genetics (formerly Invitae), Labcorp
Classification: Uncertain significance for Granulomatous disease, chronic, autosomal recessive, cytochrome b-positive, type 3. Last evaluated: 2019-12-30. Review status: criteria provided, single submitter. Criteria: Invitae Variant Classification Sherloc (09022015). Collection method: clinical testing. Allele origin: germline.
Comment: This variant has not been reported in the literature in individuals with NCF4-related conditions. Algorithms developed to predict the effect of missense changes on protein structure and function (SIFT, PolyPhen-2, Align-GVGD) all suggest that this variant is likely to be tolerated, but these predictions have not been confirmed by published functional studies and their clinical significance is uncertain. This variant is not present in population databases (ExAC no frequency). This sequence change replaces serine with leucine at codon 276 of the NCF4 protein (p.Ser276Leu). The serine residue is weakly conserved and there is a large physicochemical difference between serine and leucine. In summary, the available evidence is currently insufficient to determine the role of this variant in disease. Therefore, it has been classified as a Variant of Uncertain Significance.

NM_000631.5(NCF4):c.758+69C>T

Gene: NCF4 (neutrophil cytosolic factor 4; plus strand). Cytogenetic location: 22q12.3.
Variant type: single nucleotide variant.
Coding change: c.758+69C>T on transcript NM_000631.5 (MANE Select); 69 bases into the intron after coding-DNA position 758, C replaced by T.
Molecular consequence: intron variant. On other transcripts: missense variant (1).
Genome position (GRCh38, 1-based): chr22:36,875,852, C>T. VCF-style: chr22-36875852-C-T. GRCh37 (hg19) VCF-style: chr22-37271894-C-T.
Other names: c.827C>T, p.Ser276Leu (NM_013416.4); short protein forms S276L.
Identifiers: ClinVar variation 853449 (VCV000853449.12), dbSNP rs1940180265, ClinGen allele CA411389429.